The following is an entry in ClinVar:

ClinVar aggregate classification (germline): Pathogenic (1 of 4 stars; one submission).

Submission:

CeGaT Center for Human Genetics Tuebingen
Classification: Pathogenic. Last evaluated: 2023-01-01. Review status: criteria provided, single submitter. Criteria: CeGaT Center For Human Genetics Tuebingen Variant Classification Criteria Version 2. Collection method: clinical testing. Allele origin: germline. Affected: yes. Observed: 1 variant allele.
Comment: SPEG: PVS1, PM2

NM_005876.5(SPEG):c.6898_6905del (p.Pro2300fs)

Genes: ASIC4-AS1 (ASIC4 antisense RNA 1; minus strand), SPEG (striated muscle enriched protein kinase; plus strand). Cytogenetic location: 2q35.
Variant type: Deletion.
Coding change: c.6898_6905del on transcript NM_005876.5 (MANE Select); coding-DNA positions 6898 to 6905, 8 bases deleted (CCCCCGGT; older notation c.6898_6905delCCCCCGGT).
Protein change: p.Pro2300fs; shifts the reading frame from proline 2300.
Molecular consequence: frameshift variant.
Genome position (GRCh38, 1-based): chr2:219,484,361-219,484,368, CCCCCGGT deleted; deleting any 8 consecutive bases within chr2:219,484,358-219,484,368 gives the same sequence; the c. name uses the placement nearest the transcript's 3' end. VCF-style (leftmost placement, unchanged base first): chr2-219484357-GGGTCCCCC-G. GRCh37 (hg19) VCF-style: chr2-220349079-GGGTCCCCC-G.
Other names: short protein forms P2300fs.
Identifiers: ClinVar variation 2651927 (VCV002651927.24), dbSNP rs2545940726, ClinGen allele CA2695197691.